The following is an entry in ClinVar:

ClinVar aggregate classification (germline): Uncertain significance (1 of 4 stars; one submission).

Conditions:
Epidermolysis bullosa simplex 5B, with muscular dystrophy (EBS5B). Also called: EPIDERMOLYSIS BULLOSA SIMPLEX AND LIMB-GIRDLE MUSCULAR DYSTROPHY; Epidermolysis bullosa simplex with muscular dystrophy. Identifiers: Orphanet 257, MedGen C2931072, MONDO:0009181, OMIM 226670.
Epidermolysis bullosa simplex, Ogna type (EBS5A). Also called: Pidermolysis bullosa simplex 5A, Ogna type; EPIDERMOLYSIS BULLOSA SIMPLEX 5A, OGNA TYPE. Identifiers: Orphanet 79401, MedGen C0432317, MONDO:0007555, OMIM 131950.
Epidermolysis bullosa simplex 5C, with pyloric atresia (EBS5C). Also called: Epidermolysis bullosa simplex with pyloric atresia; PLEC-Related Epidermolysis Bullosa with Pyloric Atresia; PLEC1-Related Epidermolysis Bullosa with Pyloric Atresia. Identifiers: Orphanet 158684, MedGen C2677349, MONDO:0012807, OMIM 612138.
Epidermolysis bullosa simplex with nail dystrophy (EBS5D). Identifiers: MedGen C4225309, MONDO:0014661, OMIM 616487.
Autosomal recessive limb-girdle muscular dystrophy type 2Q (LGMDR17). Also called: MUSCULAR DYSTROPHY, LIMB-GIRDLE, AUTOSOMAL RECESSIVE 17. Identifiers: Orphanet 254361, MedGen C3150989, MONDO:0013390, OMIM 613723.

Allele frequency attached by ClinVar (database versions not stated): ExAC 0.00002; gnomAD 0.00003; gnomAD exomes 0.00003 and 0.00004; TOPMed 0.00003.
gnomAD v4.1: 63 of 1,612,926 alleles (0.0039%); highest among the groups gnomAD compares: Non-Finnish European, 0.0047%; no homozygotes.

Submission:

Labcorp Genetics (formerly Invitae), Labcorp
Classification: Uncertain significance for Autosomal recessive limb-girdle muscular dystrophy type 2Q; Epidermolysis bullosa simplex, Ogna type; Epidermolysis bullosa simplex with nail dystrophy; Epidermolysis bullosa simplex 5C, with pyloric atresia; Epidermolysis bullosa simplex 5B, with muscular dystrophy. Last evaluated: 2025-09-05. Review status: criteria provided, single submitter. Criteria: Invitae Variant Classification Sherloc (09022015). Collection method: clinical testing. Allele origin: germline.
Comment: This sequence change replaces tyrosine, which is neutral and polar, with cysteine, which is neutral and slightly polar, at codon 3714 of the PLEC protein (p.Tyr3714Cys). This variant is present in population databases (rs782661646, gnomAD 0.007%). This variant has not been reported in the literature in individuals affected with PLEC-related conditions. ClinVar contains an entry for this variant (Variation ID: 940013). An algorithm developed to predict the effect of missense changes on protein structure and function (PolyPhen-2) suggests that this variant is likely to be disruptive. In summary, the available evidence is currently insufficient to determine the role of this variant in disease. Therefore, it has been classified as a Variant of Uncertain Significance.

NM_201384.3(PLEC):c.11060A>G (p.Tyr3687Cys)

Gene: PLEC (plectin; minus strand). Cytogenetic location: 8q24.3.
Variant type: single nucleotide variant.
Coding change: c.11060A>G on transcript NM_201384.3 (MANE Select); coding-DNA position 11060, A replaced by G.
Protein change: p.Tyr3687Cys; replaces tyrosine 3687 with cysteine.
Molecular consequence: missense variant.
Genome position (GRCh38, 1-based): chr8:143,918,761, T>C on the plus strand (A>G on the coding strand, the complement: PLEC is on the minus strand). VCF-style: chr8-143918761-T-C. GRCh37 (hg19) VCF-style: chr8-144992929-T-C.
Other names: c.11141A>G, p.Tyr3714Cys (NM_000445.5); c.11018A>G, p.Tyr3673Cys (NM_201378.4); c.10994A>G, p.Tyr3665Cys (NM_201379.3); c.11471A>G, p.Tyr3824Cys (NM_201380.4); c.10964A>G, p.Tyr3655Cys (NM_201381.3); c.11060A>G, p.Tyr3687Cys (NM_201382.4); c.11072A>G, p.Tyr3691Cys (NM_201383.3); short protein forms Y3714C, Y3655C, Y3687C, Y3824C, Y3665C, Y3673C, Y3691C.
Identifiers: ClinVar variation 940013 (VCV000940013.10), dbSNP rs782661646, ClinGen allele CA4924446.
Genomic context (GRCh38, chr8:143,918,761, plus strand): 5'-TAGATGCTCAGTGTCTGCCTGGAACCGGGCAGGTAGACACCAGCCACGGAGCCCGTGCCA[T>C]AGAGGTAGCACCAGGCGGACTCCGCCTCGAGAGCCTCACGGAGGCTCCTGGTGCCCTCCC-3'
Protein context (NP_958786.1, residues 3677-3697): LEAESAWCYL[Tyr3687Cys]GTGSVAGVYL